The following is an entry in ClinVar:

ClinVar aggregate classification (germline): Conflicting classifications of pathogenicity. Review status: criteria provided, conflicting classifications (1 of 4 stars). 9 submissions from 9 submitters: Uncertain significance (5); Likely benign (4). Last evaluated 2025-10-08.

Conditions:
Cardiovascular phenotype. Identifiers: MedGen CN230736.
TTN-related disorder. Also called: TTN-related condition; TTN-related disease; TTN-related disorders.
Dilated cardiomyopathy 1G (CMD1G). Identifiers: Orphanet 154, MedGen C1858763, MONDO:0011400, OMIM 604145.
Autosomal recessive limb-girdle muscular dystrophy type 2J (LGMDR10). Also called: Limb-girdle muscular dystrophy, type 2J; MUSCULAR DYSTROPHY, LIMB-GIRDLE, AUTOSOMAL RECESSIVE 10. Identifiers: Orphanet 140922, MedGen C1837342, MONDO:0012127, OMIM 608807.

Allele frequency attached by ClinVar (database versions not stated): ExAC 0.00012; gnomAD 0.00013 and 0.00014; gnomAD exomes 0.00014 and 0.00028; TOPMed 0.00015; ESP Exome Variant Server 0.00042.
gnomAD v4.1: 471 of 1,613,094 alleles (0.029%); highest among the groups gnomAD compares: Non-Finnish European, 0.034%; 2 homozygotes.

Submissions (9):

Women's Health and Genetics/Laboratory Corporation of America, LabCorp
Classification: Uncertain significance. Last evaluated: 2025-10-08. Review status: criteria provided, single submitter. Criteria: LabCorp Variant Classification Summary - May 2015. Collection method: clinical testing. Allele origin: germline.
Comment: Variant summary: TTN NM_133378 c.64478T>C (p.Met21493Thr), also known as NM_001267550 c.72182T>C (p.Met24061Thr), results in a non-conservative amino acid change located in the A-band region of the encoded protein sequence. Algorithms developed to predict the effect of missense changes on protein structure and function are either unavailable or do not agree on the potential impact of this missense change. The variant allele was found at a frequency of 0.00014 in 248154 control chromosomes, predominantly at a frequency of 0.00027 within the Non-Finnish European subpopulation in the gnomAD database. This frequency is not significantly higher than estimated for disease-causing variants in TTN, allowing no conclusion about variant significance. c.64478T>C has been reported in the literature in individuals affected with dilated cardiomyopathy with atrial fibrillation (example, Pugh_2014). These report(s) do not provide unequivocal conclusions about association of the variant with Limb-Girdle Muscular Dystrophy, Type 2J and other TTN related conditions. To our knowledge, no experimental evidence demonstrating an impact on protein function has been reported. The following publication has been ascertained in the context of this evaluation (PMID: 24503780). ClinVar contains an entry for this variant (Variation ID: 47313). Based on the evidence outlined above, the variant was classified as uncertain significance.

CeGaT Center for Human Genetics Tuebingen
Classification: Likely benign. Last evaluated: 2025-09-01. Review status: criteria provided, single submitter. Criteria: CeGaT Center For Human Genetics Tuebingen Variant Classification Criteria Version 2. Collection method: clinical testing. Allele origin: germline. Affected: yes. Observed: 1 variant allele.
Comment: TTN: BS2

PreventionGenetics, part of Exact Sciences
Classification: Likely benign for TTN-related condition. Last evaluated: 2025-04-18. Review status: criteria provided, single submitter. Criteria: ACMG Guidelines, 2015. Collection method: clinical testing. Allele origin: germline.
Comment: This variant is classified as likely benign based on ACMG/AMP sequence variant interpretation guidelines (Richards et al. 2015 PMID: 25741868, with internal and published modifications).

Revvity Omics, Revvity
Classification: Uncertain significance. Last evaluated: 2024-07-11. Review status: criteria provided, single submitter. Criteria: ACMG Guidelines, 2015. Collection method: clinical testing. Allele origin: germline.

GeneDx
Classification: Likely benign. Last evaluated: 2021-01-15. Review status: criteria provided, single submitter. Criteria: GeneDx Variant Classification Process June 2021. Collection method: clinical testing. Allele origin: germline. Affected: yes.
Comment: This variant is associated with the following publications: (PMID: 27193218, 24503780)

Ambry Genetics
Classification: Likely benign for Cardiovascular phenotype. Last evaluated: 2020-05-21. Review status: criteria provided, single submitter. Criteria: Ambry Variant Classification Scheme 2023. Collection method: clinical testing. Allele origin: germline.

Labcorp Genetics (formerly Invitae), Labcorp
Classification: Uncertain significance for Dilated cardiomyopathy 1G; Autosomal recessive limb-girdle muscular dystrophy type 2J. Last evaluated: 2017-07-11. Review status: criteria provided, single submitter. Criteria: Invitae Variant Classification Sherloc (09022015). Collection method: clinical testing. Allele origin: germline.

Eurofins Ntd Llc (ga)
Classification: Uncertain significance. Last evaluated: 2014-06-04. Review status: criteria provided, single submitter. Criteria: EGL Classification Definitions 2015. Collection method: clinical testing. Allele origin: germline. Observed: 4 variant alleles, 4 heterozygotes.

Laboratory for Molecular Medicine, Mass General Brigham Personalized Medicine
Classification: Uncertain significance. Last evaluated: 2012-01-04. Review status: criteria provided, single submitter. Criteria: LMM Criteria. Collection method: clinical testing. Allele origin: germline. Observed: 1 variant allele.
Comment: Variant classified as Uncertain Significance - Favor Benign. This variant has been identified in 5/6610 European American chromosomes from a broad, though clinically unspecified population (NHLBI Exome Sequencing Project). Methionine (Met) at position 21493 is conserved in mammals, but not in more dist antly related species, suggesting that a change may be tolerated. Computational predictions are mixed regarding the possible impact to the protein (AlignGVGD = benign, SIFT = pathogenic), though the accuracy of these tools is unknown. Altho ugh this data suggests that the Met21493Thr variant may be benign, additional in formation is needed to fully assess its clinical significance.

Literature cited by the submitters: PubMed 24503780 (cited by Women's Health and Genetics/Laboratory Corporation of America, LabCorp).

NM_001267550.2(TTN):c.72182T>C (p.Met24061Thr)

Genes: TTN (titin; minus strand), TTN-AS1 (TTN antisense RNA 1; plus strand). Cytogenetic location: 2q31.2.
Variant type: single nucleotide variant.
Coding change: c.72182T>C on transcript NM_001267550.2 (MANE Select); coding-DNA position 72182, T replaced by C.
Protein change: p.Met24061Thr; replaces methionine 24061 with threonine.
Molecular consequence: missense variant.
Genome position (GRCh38, 1-based): chr2:178,573,950, A>G on the plus strand (T>C on the coding strand, the complement: TTN is on the minus strand). VCF-style: chr2-178573950-A-G. GRCh37 (hg19) VCF-style: chr2-179438677-A-G.
Other names: c.44987T>C, p.Met14996Thr (NM_003319.4); c.64478T>C, p.Met21493Thr (NM_133378.4); c.67259T>C, p.Met22420Thr (NM_001256850.1); c.45362T>C, p.Met15121Thr (NM_133432.3); c.45563T>C, p.Met15188Thr (NM_133437.4); short protein forms M24061T, M21493T, M14996T, M22420T, M15188T, M15121T.
Identifiers: ClinVar variation 47313 (VCV000047313.31), dbSNP rs200471370, ClinGen allele CA140649.
Genomic context (GRCh38, chr2:178,573,950, plus strand): 5'-GCAATTTTTATTTCTAACTTTGCTGTGCCTTCCAGCTCTTTTCCATCTTTGCTCCATTCC[A>G]TTGTTGGAGGTGGGCGGCCTGAAACATCAGCTTCCAGTCTGAATGCTTCACCTGCTTTTA-3'
Protein context (NP_001254479.2, residues 24051-24071): ADVSGRPPPT[Met24061Thr]EWSKDGKELE